The following is an entry in ClinVar:

NM_138713.4(NFAT5):c.4513G>A (p.Val1505Met)

Gene: NFAT5 (nuclear factor of activated T cells 5; plus strand). Cytogenetic location: 16q22.1.
Variant type: single nucleotide variant.
Coding change: c.4513G>A on transcript NM_138713.4 (MANE Select); coding-DNA position 4513, G replaced by A.
Protein change: p.Val1505Met; replaces valine 1505 with methionine.
Molecular consequence: missense variant.
Genome position (GRCh38, 1-based): chr16:69,695,234, G>A. VCF-style: chr16-69695234-G-A. GRCh37 (hg19) VCF-style: chr16-69729137-G-A.
Other names: c.4510G>A, p.Val1504Met (NM_001113178.3); c.3838G>A, p.Val1280Met (NM_001367709.1); c.4459G>A, p.Val1487Met (NM_006599.4); c.4231G>A, p.Val1411Met (NM_138714.4, NM_173214.3, NM_173215.3); short protein forms V1487M, V1504M, V1280M, V1411M, V1505M.
Identifiers: ClinVar variation 937402 (VCV000937402.1), dbSNP rs140045591, ClinGen allele CA8136077.
Genomic context (GRCh38, chr16:69,695,234, plus strand): 5'-CCTGATCAGTTGATGGCCATAAGTCAGCCAGGCCAACCACAAAACGAGGGCCAGCCACCT[G>A]TGACAACACTTCTTTCTCAGCAAATGCCAGAGAATTCTCCACTGGCATCCTCTATAAACA-3'
Protein context (NP_619727.2, residues 1495-1515): GQPQNEGQPP[Val1505Met]TTLLSQQMPE

ClinVar aggregate classification (germline): Uncertain significance (1 of 4 stars; one submission).

Conditions:
Immunodeficiency. Identifiers: MedGen C0021051, MONDO:0021094, HP:0002721.

Allele frequency attached by ClinVar (database versions not stated): gnomAD exomes below 0.00001 and 0.00001; ExAC 0.00001; gnomAD 0.00001; ESP Exome Variant Server 0.00008.
gnomAD v4.1: 2 of 1,614,032 alleles (0.00012%); highest among the groups gnomAD compares: African/African-American, 0.0013%; no homozygotes.

Submission:

Labcorp Genetics (formerly Invitae), Labcorp
Classification: Uncertain significance for Immunodeficiency. Last evaluated: 2019-06-10. Review status: criteria provided, single submitter. Criteria: Invitae Variant Classification Sherloc (09022015). Collection method: clinical testing. Allele origin: germline.
Comment: This sequence change replaces valine with methionine at codon 1411 of the NFAT5 protein (p.Val1411Met). The valine residue is moderately conserved and there is a small physicochemical difference between valine and methionine. This variant is present in population databases (rs140045591, ExAC 0.01%). This variant has not been reported in the literature in individuals with NFAT5-related conditions. Algorithms developed to predict the effect of missense changes on protein structure and function are either unavailable or do not agree on the potential impact of this missense change (SIFT: "Deleterious"; PolyPhen-2: "Probably Damaging"; Align-GVGD: "Class C0"). In summary, the available evidence is currently insufficient to determine the role of this variant in disease. Therefore, it has been classified as a Variant of Uncertain Significance.